The following is an entry in ClinVar:

ClinVar aggregate classification (germline): Uncertain significance (1 of 4 stars; one submission).

Submission:

Labcorp Genetics (formerly Invitae), Labcorp
Classification: Uncertain significance. Last evaluated: 2024-11-11. Review status: criteria provided, single submitter. Criteria: Invitae Variant Classification Sherloc (09022015). Collection method: clinical testing. Allele origin: germline.
Comment: This sequence change replaces alanine, which is neutral and non-polar, with leucine, which is neutral and non-polar, at codon 493 of the MTTP protein (p.Ala493Leu). Information on the frequency of this variant in the gnomAD database is not available, as this variant may be reported differently in the database. This variant has not been reported in the literature in individuals affected with MTTP-related conditions. ClinVar contains an entry for this variant (Variation ID: 1374183). An algorithm developed to predict the effect of missense changes on protein structure and function (PolyPhen-2) suggests that this variant is likely to be tolerated. In summary, the available evidence is currently insufficient to determine the role of this variant in disease. Therefore, it has been classified as a Variant of Uncertain Significance.

NM_001386140.1(MTTP):c.1477_1478delinsTT (p.Ala493Leu)

Gene: MTTP (microsomal triglyceride transfer protein; plus strand). Cytogenetic location: 4q23.
Variant type: Indel.
Coding change: c.1477_1478delinsTT on transcript NM_001386140.1 (MANE Select); coding-DNA positions 1477 to 1478, GC replaced by TT.
Protein change: p.Ala493Leu; replaces alanine 493 with leucine.
Molecular consequence: missense variant.
Genome position (GRCh38, 1-based): chr4:99,606,880-99,606,881, GC replaced by TT. VCF-style: chr4-99606880-GC-TT. GRCh37 (hg19) VCF-style: chr4-100528037-GC-TT.
Other names: c.1477_1478delinsTT, p.Ala493Leu (NM_000253.4); c.1228_1229delinsTT, p.Ala410Leu (NM_001300785.2); short protein forms A410L, A493L.
Identifiers: ClinVar variation 1374183 (VCV001374183.5), dbSNP rs2110228753, ClinGen allele CA2573138382.